The following is an entry in ClinVar:

NM_001123385.2(BCOR):c.1809del (p.Thr604fs)

Gene: BCOR (BCL6 corepressor; minus strand). Cytogenetic location: Xp11.4.
Variant type: Deletion.
Coding change: c.1809del on transcript NM_001123385.2 (MANE Select); coding-DNA position 1809, one base deleted (C; older notation c.1809delC).
Protein change: p.Thr604fs; shifts the reading frame from threonine 604.
Molecular consequence: frameshift variant.
Genome position (GRCh38, 1-based): chrX:40,073,537, G deleted on the plus strand (C on the coding strand, the reverse complement: BCOR is on the minus strand); the first of 2 consecutive G bases (chrX:40,073,537-40,073,538); deleting either gives the same sequence. VCF-style (leftmost placement, unchanged base first): chrX-40073536-TG-T. GRCh37 (hg19) VCF-style: chrX-39932789-TG-T.
Other names: c.1809del, p.Thr604fs (NM_001123383.2, NM_001123384.2, NM_001437510.1 and 4 more transcripts); short protein forms T604fs.
Identifiers: ClinVar variation 5007557 (VCV005007557.2).
Genomic context (GRCh38, chrX:40,073,536, plus strand): 5'-GTTCTGGGTTGCTGGCTTTGGCGCCCTTGCTGCTGGTGCTGCTACTGTGCTTGGCAGGAG[TG>T]GCCGGGGGCTGGCCCACGTGCTGAATAACGGATGGTGTGGTTTCTACAGAGCTCCTGCTG-3'

ClinVar aggregate classification (germline): Pathogenic (1 of 4 stars; one submission).

Conditions:
Oculofaciocardiodental syndrome (MCOPS2). Identifiers: Orphanet 2712, MedGen C1846265, MONDO:0010261, OMIM 300166.

Submission:

Juno Genomics, Hangzhou Juno Genomics, Inc
Classification: Pathogenic for Oculofaciocardiodental syndrome. Review status: criteria provided, single submitter. Criteria: ACMG Guidelines, 2015. Collection method: clinical testing. Allele origin: germline.
Comment: Null variant in a gene where loss of function (LOF) is a known mechanism of disease.;Absent from controls (or at extremely low frequency if recessive) in Genome Aggregation Database.;Patient's phenotype or family history is highly specific for a disease with a single genetic etiology.